The following is an entry in ClinVar:

NM_000400.4(ERCC2):c.557G>A (p.Arg186His)

Gene: ERCC2 (ERCC excision repair 2, TFIIH core complex helicase subunit; minus strand). Cytogenetic location: 19q13.32.
Variant type: single nucleotide variant.
Coding change: c.557G>A on transcript NM_000400.4 (MANE Select); coding-DNA position 557, G replaced by A.
Protein change: p.Arg186His; replaces arginine 186 with histidine.
Molecular consequence: missense variant.
Genome position (GRCh38, 1-based): chr19:45,364,875, C>T on the plus strand (G>A on the coding strand, the complement: ERCC2 is on the minus strand). VCF-style: chr19-45364875-C-T. GRCh37 (hg19) VCF-style: chr19-45868133-C-T.
Other names: c.485G>A, p.Arg162His (NM_001130867.2); short protein forms R186H, R162H.
Identifiers: ClinVar variation 2172407 (VCV002172407.1), dbSNP rs772245022, ClinGen allele CA9513744.

ClinVar aggregate classification (germline): Uncertain significance (1 of 4 stars; one submission).

Allele frequency attached by ClinVar (database versions not stated): ExAC 0.00001; gnomAD 0.00001; TOPMed 0.00001.
gnomAD v4.1: 14 of 1,613,354 alleles (0.00087%); highest among the groups gnomAD compares: Middle Eastern, 0.033%; no homozygotes.

Submission:

Labcorp Genetics (formerly Invitae), Labcorp
Classification: Uncertain significance. Last evaluated: 2022-07-27. Review status: criteria provided, single submitter. Criteria: Invitae Variant Classification Sherloc (09022015). Collection method: clinical testing. Allele origin: germline.
Comment: This sequence change replaces arginine, which is basic and polar, with histidine, which is basic and polar, at codon 186 of the ERCC2 protein (p.Arg186His). This variant is present in population databases (rs772245022, gnomAD 0.002%). This variant has not been reported in the literature in individuals affected with ERCC2-related conditions. Algorithms developed to predict the effect of missense changes on protein structure and function output the following: SIFT: "Deleterious"; PolyPhen-2: "Benign"; Align-GVGD: "Class C0". The histidine amino acid residue is found in multiple mammalian species, which suggests that this missense change does not adversely affect protein function. In summary, the available evidence is currently insufficient to determine the role of this variant in disease. Therefore, it has been classified as a Variant of Uncertain Significance.